The following is an entry in ClinVar:

ClinVar aggregate classification (germline): Uncertain significance (1 of 4 stars; one submission).

Submission:

Ambry Genetics
Classification: Uncertain significance. Last evaluated: 2024-06-15. Review status: criteria provided, single submitter. Criteria: Ambry Variant Classification Scheme 2023. Collection method: clinical testing. Allele origin: germline.
Comment: The p.L1695P variant (also known as c.5084T>C), located in coding exon 39 of the PRKDC gene, results from a T to C substitution at nucleotide position 5084. The leucine at codon 1695 is replaced by proline, an amino acid with similar properties. This amino acid position is conserved. Based on the available evidence, the clinical significance of this variant remains unclear.

NM_006904.7(PRKDC):c.5084T>C (p.Leu1695Pro)

Gene: PRKDC (protein kinase, DNA-activated, catalytic subunit; minus strand). Cytogenetic location: 8q11.21.
Variant type: single nucleotide variant.
Coding change: c.5084T>C on transcript NM_006904.7 (MANE Select); coding-DNA position 5084, T replaced by C.
Protein change: p.Leu1695Pro; replaces leucine 1695 with proline.
Molecular consequence: missense variant.
Genome position (GRCh38, 1-based): chr8:47,879,642, A>G on the plus strand (T>C on the coding strand, the complement: PRKDC is on the minus strand). VCF-style: chr8-47879642-A-G. GRCh37 (hg19) VCF-style: chr8-48792203-A-G.
Other names: c.5084T>C, p.Leu1695Pro (NM_001081640.2); short protein forms L1695P.
Identifiers: ClinVar variation 3310184 (VCV003310184.1).